The following is an entry in ClinVar:

NM_001145319.2(PLS1):c.770G>A (p.Gly257Asp)

Gene: PLS1 (plastin 1; plus strand). Cytogenetic location: 3q23.
Variant type: single nucleotide variant.
Coding change: c.770G>A on transcript NM_001145319.2 (MANE Select); coding-DNA position 770, G replaced by A.
Protein change: p.Gly257Asp; replaces glycine 257 with aspartic acid.
Molecular consequence: missense variant.
Genome position (GRCh38, 1-based): chr3:142,684,277, G>A. VCF-style: chr3-142684277-G-A. GRCh37 (hg19) VCF-style: chr3-142403119-G-A.
Other names: c.770G>A, p.Gly257Asp (NM_001172312.2, NM_002670.3); short protein forms G257D.
Identifiers: ClinVar variation 2442432 (VCV002442432.3), dbSNP rs201068539, ClinGen allele CA2651124.

ClinVar aggregate classification (germline): Uncertain significance. Review status: criteria provided, multiple submitters, no conflicts (2 of 4 stars). 2 submissions from 2 submitters: Uncertain significance (2). Last evaluated 2024-09-12.

Conditions:
Inborn genetic diseases. Identifiers: MedGen C0950123, MeSH D030342.

Allele frequency attached by ClinVar (database versions not stated): ExAC 0.00001; gnomAD exomes 0.00001; TOPMed 0.00002; gnomAD 0.00005; ESP Exome Variant Server 0.00015.
gnomAD v4.1: 28 of 1,614,028 alleles (0.0017%); highest among the groups gnomAD compares: African/African-American, 0.0067%; no homozygotes.

Submissions (2):

GeneDx
Classification: Uncertain significance. Last evaluated: 2024-09-12. Review status: criteria provided, single submitter. Criteria: GeneDx Variant Classification Process June 2021. Collection method: clinical testing. Allele origin: germline. Affected: yes.
Comment: In silico analysis supports that this missense variant has a deleterious effect on protein structure/function; Has not been previously published as pathogenic or benign to our knowledge

Ambry Genetics
Classification: Uncertain significance for Inborn genetic diseases. Last evaluated: 2024-05-10. Review status: criteria provided, single submitter. Criteria: Ambry Variant Classification Scheme 2023. Collection method: clinical testing. Allele origin: germline.